The following is an entry in ClinVar:

ClinVar aggregate classification (germline): Uncertain significance (1 of 4 stars; one submission).

Conditions:
Jeune thoracic dystrophy. Also called: Jeune syndrome; Infantile thoracic dystrophy; Thoracic pelvic phalangeal dystrophy; Jeune's syndrome; Chondroectodermal dysplasia-like syndrome; Short-rib thoracic dysplasia. Identifiers: Orphanet 474, MedGen C0265275, MONDO:0018770.

Submission:

Labcorp Genetics (formerly Invitae), Labcorp
Classification: Uncertain significance for Jeune thoracic dystrophy. Last evaluated: 2021-08-27. Review status: criteria provided, single submitter. Criteria: Invitae Variant Classification Sherloc (09022015). Collection method: clinical testing. Allele origin: germline.
Comment: This sequence change replaces aspartic acid with histidine at codon 2232 of the DYNC2H1 protein (p.Asp2232His). The aspartic acid residue is highly conserved and there is a moderate physicochemical difference between aspartic acid and histidine. This variant is not present in population databases (ExAC no frequency). This variant has not been reported in the literature in individuals affected with DYNC2H1-related conditions. Algorithms developed to predict the effect of missense changes on protein structure and function are either unavailable or do not agree on the potential impact of this missense change (SIFT: "Deleterious"; PolyPhen-2: "Possibly Damaging"; Align-GVGD: "Class C0"). In summary, the available evidence is currently insufficient to determine the role of this variant in disease. Therefore, it has been classified as a Variant of Uncertain Significance.

NM_001377.3(DYNC2H1):c.6694G>C (p.Asp2232His)

Gene: DYNC2H1 (dynein cytoplasmic 2 heavy chain 1; plus strand). Cytogenetic location: 11q22.3.
Variant type: single nucleotide variant.
Coding change: c.6694G>C on transcript NM_001377.3 (MANE Select); coding-DNA position 6694, G replaced by C.
Protein change: p.Asp2232His; replaces aspartic acid 2232 with histidine.
Molecular consequence: missense variant.
Genome position (GRCh38, 1-based): chr11:103,186,302, G>C. VCF-style: chr11-103186302-G-C. GRCh37 (hg19) VCF-style: chr11-103057031-G-C.
Other names: c.6694G>C, p.Asp2232His (NM_001080463.2); short protein forms D2232H.
Identifiers: ClinVar variation 459281 (VCV000459281.8), dbSNP rs1555061008, ClinGen allele CA382250035.